The following is an entry in ClinVar:

ClinVar aggregate classification (germline): Conflicting classifications of pathogenicity. Review status: criteria provided, conflicting classifications (1 of 4 stars). 4 submissions from 4 submitters: Uncertain significance (3); Likely benign (1). Last evaluated 2025-12-05.

Conditions:
Inborn genetic diseases. Identifiers: MedGen C0950123, MeSH D030342.
Glycine encephalopathy. Also called: Nonketotic hyperglycinemia; Non-ketotic hyperglycinemia. Identifiers: Orphanet 407, MedGen C0751748, MONDO:0011612, HP:0008288.

Allele frequency attached by ClinVar (database versions not stated): gnomAD 0.00006 and 0.00007; TOPMed 0.00006; ESP Exome Variant Server 0.00008; ExAC 0.00012.
gnomAD v4.1: 103 of 1,607,292 alleles (0.0064%); highest among the groups gnomAD compares: African/African-American, 0.011%; no homozygotes.

Submissions (4):

Ambry Genetics
Classification: Uncertain significance for Inborn genetic diseases. Last evaluated: 2025-12-05. Review status: criteria provided, single submitter. Criteria: Ambry Variant Classification Scheme 2023. Collection method: clinical testing. Allele origin: germline.
Comment: The c.661G>A (p.V221I) alteration is located in exon 5 (coding exon 5) of the GLDC gene. This alteration results from a G to A substitution at nucleotide position 661, causing the valine (V) at amino acid position 221 to be replaced by an isoleucine (I). Based on data from gnomAD, the A allele has an overall frequency of 0.01% (29/282886) total alleles studied. The highest observed frequency was 0.02% (7/35440) of Latino alleles. Based on insufficient or conflicting evidence, the clinical significance of this alteration remains unclear.

Labcorp Genetics (formerly Invitae), Labcorp
Classification: Likely benign for Glycine encephalopathy. Last evaluated: 2025-08-30. Review status: criteria provided, single submitter. Criteria: Invitae Variant Classification Sherloc (09022015). Collection method: clinical testing. Allele origin: germline.

Women's Health and Genetics/Laboratory Corporation of America, LabCorp
Classification: Uncertain significance. Last evaluated: 2022-04-14. Review status: criteria provided, single submitter. Criteria: LabCorp Variant Classification Summary - May 2015. Collection method: clinical testing. Allele origin: germline.
Comment: Variant summary: GLDC c.661G>A (p.Val221Ile) results in a conservative amino acid change in the encoded protein sequence. Three of five in-silico tools predict a benign effect of the variant on protein function. The variant allele was found at a frequency of 0.0001 in 251488 control chromosomes. This frequency is not significantly higher than expected for a pathogenic variant in GLDC causing Glycine Encephalopathy (Non-Ketotic Hyperglycinemia) (0.0001 vs 0.0031), allowing no conclusion about variant significance. To our knowledge, no occurrence of c.661G>A in individuals affected with Glycine Encephalopathy (Non-Ketotic Hyperglycinemia) and no experimental evidence demonstrating its impact on protein function have been reported. Two clinical diagnostic laboratories have submitted clinical-significance assessments for this variant to ClinVar after 2014 without evidence for independent evaluation. One laboratory classified the variant as likely benign, and one laboratory classified the variant as uncertain significance. Based on the evidence outlined above, the variant was classified as uncertain significance.

GeneDx
Classification: Uncertain significance. Last evaluated: 2019-08-15. Review status: criteria provided, single submitter. Criteria: GeneDx Variant Classification Process June 2021. Collection method: clinical testing. Allele origin: germline. Affected: yes.
Comment: In silico analysis, which includes protein predictors and evolutionary conservation, supports that this variant does not alter protein structure/function; Has not been previously published as pathogenic or benign to our knowledge

NM_000170.3(GLDC):c.661G>A (p.Val221Ile)

Gene: GLDC (glycine decarboxylase; minus strand). Cytogenetic location: 9p24.1.
Variant type: single nucleotide variant.
Coding change: c.661G>A on transcript NM_000170.3 (MANE Select); coding-DNA position 661, G replaced by A.
Protein change: p.Val221Ile; replaces valine 221 with isoleucine.
Molecular consequence: missense variant.
Genome position (GRCh38, 1-based): chr9:6,606,644, C>T on the plus strand (G>A on the coding strand, the complement: GLDC is on the minus strand). VCF-style: chr9-6606644-C-T. GRCh37 (hg19) VCF-style: chr9-6606644-C-T.
Other names: short protein forms V221I.
Identifiers: ClinVar variation 1090713 (VCV001090713.11), dbSNP rs144043066, ClinGen allele CA4981048.